The following is an entry in ClinVar:

NM_001040458.3(ERAP1):c.1525-59C>G

Gene: ERAP1 (endoplasmic reticulum aminopeptidase 1; minus strand). Cytogenetic location: 5q15.
Variant type: single nucleotide variant.
Coding change: c.1525-59C>G on transcript NM_001040458.3 (MANE Select); 59 bases into the intron before coding-DNA position 1525, C replaced by G.
Molecular consequence: intron variant.
Genome position (GRCh38, 1-based): chr5:96,788,744, G>C on the plus strand (C>G on the coding strand, the complement: ERAP1 is on the minus strand). VCF-style: chr5-96788744-G-C. GRCh37 (hg19) VCF-style: chr5-96124447-G-C.
Other names: c.1525-59C>G (NM_001349244.2, NM_016442.5, NM_001198541.3).
Identifiers: ClinVar variation 2688536 (VCV002688536.2), dbSNP rs30186, ClinGen allele CA11975601.
Genomic context (GRCh38, chr5:96,788,744, plus strand): 5'-TGCTGGTGTGTACACAAAAAGGCAGACACATCACCCATTTAACCCAACTCTAAGAAAAGA[G>C]AGAACACCAGCTTATGCTCAAACAGCCGCTACCAGTTGCCAACCTCCCCTCTTAGGAGCA-3'

ClinVar aggregate classification (germline): Benign (1 of 4 stars; one submission).

Allele frequency attached by ClinVar (database versions not stated): 1000 Genomes Project 30x 0.65631; 1000 Genomes Project 0.65655; TOPMed 0.70454; gnomAD 0.71729; gnomAD exomes 0.76397.
gnomAD v4.1: 1,206,278 of 1,590,662 alleles (76%); highest among the groups gnomAD compares: Non-Finnish European, 79%; 460,991 homozygotes.

Submission:

Unidad de Genómica Garrahan, Hospital de Pediatría Garrahan
Classification: Benign. Last evaluated: 2024-01-24. Review status: criteria provided, single submitter. Criteria: ACMG Guidelines, 2015. Collection method: clinical testing. Allele origin: germline. Affected: no. Observed: 76 variant alleles.
Comment: This variant is classified as Benign based on local population frequency. This variant was detected in 86% of patients studied by a panel of primary immunodeficiencies. Number of patients: 76. Only high quality variants are reported.